The following is an entry in ClinVar:

NM_000521.4(HEXB):c.1156_1159del (p.Phe386fs)

Gene: HEXB (hexosaminidase subunit beta; plus strand). Cytogenetic location: 5q13.3.
Variant type: Deletion.
Coding change: c.1156_1159del on transcript NM_000521.4 (MANE Select); coding-DNA positions 1156 to 1159, 4 bases deleted (TTCT; older notation c.1156_1159delTTCT).
Protein change: p.Phe386fs; shifts the reading frame from phenylalanine 386.
Molecular consequence: frameshift variant.
Genome position (GRCh38, 1-based): chr5:74,716,660-74,716,663, TTCT deleted; deleting any 4 consecutive bases within chr5:74,716,657-74,716,663 gives the same sequence; the c. name uses the placement nearest the transcript's 3' end. VCF-style (leftmost placement, unchanged base first): chr5-74716656-ATCTT-A. GRCh37 (hg19) VCF-style: chr5-74012481-ATCTT-A.
Other names: c.481_484del, p.Phe161fs (NM_001292004.2); short protein forms F161fs, F386fs.
Identifiers: ClinVar variation 1070002 (VCV001070002.8), dbSNP rs1272697701, ClinGen allele CA560367271.
Genomic context (GRCh38, chr5:74,716,656, plus strand): 5'-TCCAAAAATTCAAGATTTCATGAGGCAAAAAGGCTTTGGCACAGATTTTAAGAAACTAGA[ATCTT>A]TCTACATTCAAAAGTAAGTTGTTTGAAAGCCTATTTCTGTATTAATGCTTTTTGTAAAAG-3'

ClinVar aggregate classification (germline): Pathogenic. Review status: criteria provided, multiple submitters, no conflicts (2 of 4 stars). 2 submissions from 2 submitters: Pathogenic (2). Last evaluated 2026-01-26.

Conditions:
Sandhoff disease. Also called: GM2-GANGLIOSIDOSIS, TYPE II; HEXOSAMINIDASES A AND B DEFICIENCY; Beta-hexosaminidase-beta-subunit deficiency; GM2 gangliosidosis, type 2; Total hexosaminidase deficiency; Sandhoff-Jatzkewitz-Pilz disease. Identifiers: Orphanet 796, MedGen C0036161, MONDO:0010006, OMIM 268800.

Submissions (2):

Myriad Genetics, Inc.
Classification: Pathogenic for Sandhoff disease. Last evaluated: 2026-01-26. Review status: criteria provided, single submitter. Criteria: Myriad Autosomal Dominant, Autosomal Recessive and X-Linked Classification Criteria (2023). Collection method: clinical testing. Allele origin: unknown.
Comment: NM_000521.3(HEXB):c.1156_1159delTTCT(F386Tfs*12) is expected to be pathogenic in the context of Sandhoff disease. This variant is predicted to lead to an abnormal or absent protein product due to the creation of a premature termination codon in HEXB, a gene where loss-of-function variants are known to be pathogenic. Please note: this variant was assessed in the context of healthy population screening.

Labcorp Genetics (formerly Invitae), Labcorp
Classification: Pathogenic for Sandhoff disease. Last evaluated: 2021-10-25. Review status: criteria provided, single submitter. Criteria: Invitae Variant Classification Sherloc (09022015). Collection method: clinical testing. Allele origin: germline.
Comment: For these reasons, this variant has been classified as Pathogenic. This variant has not been reported in the literature in individuals with HEXB-related conditions. This variant is not present in population databases (ExAC no frequency). This sequence change creates a premature translational stop signal (p.Phe386Thrfs*12) in the HEXB gene. It is expected to result in an absent or disrupted protein product. Loss-of-function variants in HEXB are known to be pathogenic (PMID: 7550345, 18758829).

Literature cited by the submitters: PubMed 7550345 (cited by Labcorp Genetics (formerly Invitae), Labcorp); PubMed 18758829 (cited by Labcorp Genetics (formerly Invitae), Labcorp).